The following is an entry in ClinVar:

ClinVar aggregate classification (germline): Benign. Review status: criteria provided, multiple submitters, no conflicts (2 of 4 stars). 2 submissions from 2 submitters: Benign (2). Last evaluated 2018-01-13.

Conditions:
Progressive myoclonic epilepsy. Also called: Progressive myoclonus epilepsy; Familial progressive myoclonic epilepsy; Myoclonus epilepsy; Myoclonic Epilepsies, Progressive. Identifiers: Orphanet 308, Orphanet 98261, MedGen C0751778, MONDO:0020074.

Allele frequency attached by ClinVar (database versions not stated): 1000 Genomes Project 0.03874; 1000 Genomes Project 30x 0.03982; TOPMed 0.06606; gnomAD exomes 0.07143; gnomAD 0.07395 and 0.07615.
gnomAD v4.1: 11,332 of 152,256 alleles (7.4%); highest among the groups gnomAD compares: Non-Finnish European, 11%; 587 homozygotes.

Submissions (2):

Illumina Laboratory Services, Illumina
Classification: Benign for Progressive myoclonic epilepsy. Last evaluated: 2018-01-13. Review status: criteria provided, single submitter. Criteria: ICSL Variant Classification Criteria 13 December 2019. Collection method: clinical testing. Allele origin: germline.
Comment: This variant was observed in the ICSL laboratory as part of a predisposition screen in an ostensibly healthy population. It had not been previously curated by ICSL or reported in the Human Gene Mutation Database (HGMD: prior to June 1st, 2018), and was therefore a candidate for classification through an automated scoring system. Utilizing variant allele frequency, disease prevalence and penetrance estimates, and inheritance mode, an automated score was calculated to assess if this variant is too frequent to cause the disease. Based on the score and internal cut-off values, a variant classified as benign is not then subjected to further curation. The score for this variant resulted in a classification of benign for this disease.

Breakthrough Genomics
Classification: Benign. Review status: criteria provided, single submitter. Criteria: ACMG Guidelines, 2015. Collection method: not provided. Allele origin: germline. Inheritance: Unknown mechanism. Affected: yes.

NM_198859.4(PRICKLE2):c.*2447G>A

Genes: PRICKLE2 (prickle planar cell polarity protein 2; minus strand), PRICKLE2-AS1 (PRICKLE2 antisense RNA 1; plus strand). Cytogenetic location: 3p14.1.
Variant type: single nucleotide variant.
Coding change: c.*2447G>A on transcript NM_198859.4 (MANE Select); 2447 bases downstream of the stop codon, G replaced by A.
Molecular consequence: 3 prime UTR variant.
Genome position (GRCh38, 1-based): chr3:64,096,604, C>T on the plus strand (G>A on the coding strand, the complement: PRICKLE2 is on the minus strand). VCF-style: chr3-64096604-C-T. GRCh37 (hg19) VCF-style: chr3-64082280-C-T.
Other names: c.*2447G>A (NM_001370528.1).
Identifiers: ClinVar variation 346441 (VCV000346441.6), dbSNP rs56262708, ClinGen allele CA10617274.